The following is an entry in ClinVar:

NM_170784.3(MKKS):c.411T>A (p.Gly137=)

Gene: MKKS (MKKS centrosomal shuttling protein; minus strand). Cytogenetic location: 20p12.2.
Variant type: single nucleotide variant.
Coding change: c.411T>A on transcript NM_170784.3 (MANE Select); coding-DNA position 411, T replaced by A.
Protein change: p.Gly137=; no amino-acid change (glycine 137 retained).
Molecular consequence: synonymous variant.
Genome position (GRCh38, 1-based): chr20:10,413,104, A>T on the plus strand (T>A on the coding strand, the complement: MKKS is on the minus strand). VCF-style: chr20-10413104-A-T. GRCh37 (hg19) VCF-style: chr20-10393752-A-T.
Other names: c.411T>A, p.Gly137= (NM_018848.3).
Identifiers: ClinVar variation 2143079 (VCV002143079.6), dbSNP rs758948910, ClinGen allele CA9763694.
Genomic context (GRCh38, chr20:10,413,104, plus strand): 5'-TATACTACGCACCAAACAAAGGAGGATCTGAGTACTACTAAAGTCCACTGGGATTCGACA[A>T]CCACAGGTCTCAGACTTGAGATAACTGATGCAAAGACTCAAAAGATGTTTATTTAATCTA-3'
Protein context (NP_740754.1, residues 127-147): CISYLKSETC[Gly137=]CRIPVDFSST

ClinVar aggregate classification (germline): Likely benign. Review status: criteria provided, multiple submitters, no conflicts (2 of 4 stars). 3 submissions from 3 submitters: Likely benign (3). Last evaluated 2025-10-07.

Conditions:
MKKS-related disorder. Also called: MKKS-related condition; MKKS-related disorders.
Bardet-Biedl syndrome (BBS). Identifiers: Orphanet 110, MedGen C0752166, MONDO:0015229.
McKusick-Kaufman syndrome (MKKS). Also called: HYDROMETROCOLPOS SYNDROME; HYDROMETROCOLPOS, POSTAXIAL POLYDACTYLY, AND CONGENITAL HEART MALFORMATION. Identifiers: Orphanet 2473, MedGen C0948368, MONDO:0009367, OMIM 236700.

Allele frequency attached by ClinVar (database versions not stated): gnomAD exomes 0.00001; TOPMed 0.00002; ExAC 0.00005.
gnomAD v4.1: 23 of 1,614,098 alleles (0.0014%); highest among the groups gnomAD compares: Non-Finnish European, 0.0014%; no homozygotes.

Submissions (3):

PreventionGenetics, part of Exact Sciences
Classification: Likely benign for MKKS-related condition. Last evaluated: 2025-10-07. Review status: criteria provided, single submitter. Criteria: ACMG Guidelines, 2015. Collection method: clinical testing. Allele origin: germline.
Comment: This variant is classified as likely benign based on ACMG/AMP sequence variant interpretation guidelines (Richards et al. 2015 PMID: 25741868, with internal and published modifications).

Labcorp Genetics (formerly Invitae), Labcorp
Classification: Likely benign for McKusick-Kaufman syndrome; Bardet-Biedl syndrome. Last evaluated: 2024-02-01. Review status: criteria provided, single submitter. Criteria: Invitae Variant Classification Sherloc (09022015). Collection method: clinical testing. Allele origin: germline.

Blueprint Genetics
Classification: Likely benign. Last evaluated: 2024-01-22. Review status: criteria provided, single submitter. Criteria: ACMG Guidelines, 2015. Collection method: clinical testing. Allele origin: germline.